The following is an entry in ClinVar:

NM_000266.4(NDP):c.72T>G (p.Ser24Arg)

Genes: NDP (norrin cystine knot growth factor NDP; minus strand), NDP-AS1 (NDP antisense RNA 1; plus strand). Cytogenetic location: Xp11.3.
Variant type: single nucleotide variant.
Coding change: c.72T>G on transcript NM_000266.4 (MANE Select); coding-DNA position 72, T replaced by G.
Protein change: p.Ser24Arg; replaces serine 24 with arginine.
Molecular consequence: missense variant.
Genome position (GRCh38, 1-based): chrX:43,958,574, A>C on the plus strand (T>G on the coding strand, the complement: NDP is on the minus strand). VCF-style: chrX-43958574-A-C. GRCh37 (hg19) VCF-style: chrX-43817820-A-C.
Other names: short protein forms S24R.
Identifiers: ClinVar variation 2114623 (VCV002114623.4), dbSNP rs2519320583, ClinGen allele CA413009175.

ClinVar aggregate classification (germline): Uncertain significance (1 of 4 stars; one submission).

Allele frequency attached by ClinVar (database versions not stated): gnomAD exomes below 0.00001.
gnomAD v4.1: 1 of 1,210,957 alleles (0.000083%); highest among the groups gnomAD compares: Non-Finnish European, 0.00011%; no homozygotes.

Submission:

Labcorp Genetics (formerly Invitae), Labcorp
Classification: Uncertain significance. Last evaluated: 2022-10-13. Review status: criteria provided, single submitter. Criteria: Invitae Variant Classification Sherloc (09022015). Collection method: clinical testing. Allele origin: germline.
Comment: This sequence change replaces serine, which is neutral and polar, with arginine, which is basic and polar, at codon 24 of the NDP protein (p.Ser24Arg). This variant is not present in population databases (gnomAD no frequency). This variant has not been reported in the literature in individuals affected with NDP-related conditions. Algorithms developed to predict the effect of missense changes on protein structure and function (SIFT, PolyPhen-2, Align-GVGD) all suggest that this variant is likely to be tolerated. In summary, the available evidence is currently insufficient to determine the role of this variant in disease. Therefore, it has been classified as a Variant of Uncertain Significance.